The following is an entry in ClinVar:

ClinVar aggregate classification (germline): Uncertain significance (1 of 4 stars; one submission).

Conditions:
Charcot-Marie-Tooth disease type 4. Also called: Charcot-Marie-Tooth disease, type IV; Charcot-Marie-Tooth, Type 4. Identifiers: Orphanet 64749, MedGen C4082197, MONDO:0018995.

Submission:

Labcorp Genetics (formerly Invitae), Labcorp
Classification: Uncertain significance for Charcot-Marie-Tooth disease type 4. Last evaluated: 2019-04-01. Review status: criteria provided, single submitter. Criteria: Invitae Variant Classification Sherloc (09022015). Collection method: clinical testing. Allele origin: germline.
Comment: Algorithms developed to predict the effect of missense changes on protein structure and function are either unavailable or do not agree on the potential impact of this missense change (SIFT: "Tolerated"; PolyPhen-2: "Probably Damaging"; Align-GVGD: "Class C0"). This variant has not been reported in the literature in individuals with SBF2-related conditions. This variant is not present in population databases (ExAC no frequency). This sequence change replaces glutamine with proline at codon 205 of the SBF2 protein (p.Gln205Pro). The glutamine residue is moderately conserved and there is a moderate physicochemical difference between glutamine and proline. In summary, the available evidence is currently insufficient to determine the role of this variant in disease. Therefore, it has been classified as a Variant of Uncertain Significance.

NM_030962.4(SBF2):c.614A>C (p.Gln205Pro)

Gene: SBF2 (SET binding factor 2; minus strand). Cytogenetic location: 11p15.4.
Variant type: single nucleotide variant.
Coding change: c.614A>C on transcript NM_030962.4 (MANE Select); coding-DNA position 614, A replaced by C.
Protein change: p.Gln205Pro; replaces glutamine 205 with proline.
Molecular consequence: missense variant.
Genome position (GRCh38, 1-based): chr11:10,028,457, T>G on the plus strand (A>C on the coding strand, the complement: SBF2 is on the minus strand). VCF-style: chr11-10028457-T-G. GRCh37 (hg19) VCF-style: chr11-10050004-T-G.
Other names: c.614A>C, p.Gln205Pro (NM_001386339.1, NM_001386342.1); short protein forms Q205P.
Identifiers: ClinVar variation 840742 (VCV000840742.10), dbSNP rs1949128392, ClinGen allele CA379645812.